The following is an entry in ClinVar:

NM_001927.4(DES):c.1288+1G>A

Gene: DES (desmin; plus strand). Cytogenetic location: 2q35.
Variant type: single nucleotide variant.
Coding change: c.1288+1G>A on transcript NM_001927.4 (MANE Select); the canonical splice donor site of the intron after coding-DNA position 1288, G replaced by A.
Molecular consequence: splice donor variant.
Genome position (GRCh38, 1-based): chr2:219,423,821, G>A. VCF-style: chr2-219423821-G-A. GRCh37 (hg19) VCF-style: chr2-220288543-G-A.
Other names: c.1288+1G>A (NM_001382712.1); c.1267+1G>A (NM_001382711.1); c.1219+1G>A (NM_001382710.1); c.856+1G>A (NM_001382709.1); c.1285+1G>A (NM_001382708.1); c.1018+1G>A (NM_001382713.1).
Identifiers: ClinVar variation 639517 (VCV000639517.19), dbSNP rs112224037, ClinGen allele CA2125287.

ClinVar aggregate classification (germline): Conflicting classifications of pathogenicity. Review status: criteria provided, conflicting classifications (1 of 4 stars). 7 submissions from 7 submitters: Pathogenic (2); Likely pathogenic (4); Uncertain significance (1). Last evaluated 2026-10-13.

Conditions:
DES-related disorder. Also called: DES-related condition.
DES-related disorders.
Dilated cardiomyopathy 1I (CMD1I). Identifiers: Orphanet 154, MedGen C1858154, MONDO:0011482, OMIM 604765.
Cardiovascular phenotype. Identifiers: MedGen CN230736.
Desmin-related myofibrillar myopathy (MFM1). Also called: Desmin related myopathy (former name); Desmin storage myopathy (former name); Desminopathy; MYOFIBRILLAR MYOPATHY WITH ARRHYTHMOGENIC RIGHT VENTRICULAR CARDIOMYOPATHY; DESMIN-RELATED MYOPATHY WITH ARRHYTHMOGENIC RIGHT VENTRICULAR CARDIOMYOPATHY; Myofibrillar myopathy 1. Identifiers: Orphanet 363543, Orphanet 98909, MedGen C1832370, MONDO:0011076, OMIM 601419.
Neurogenic scapuloperoneal syndrome, Kaeser type (SCPNK). Also called: KAESER SYNDROME. Identifiers: Orphanet 85146, MedGen C1867005, MONDO:0008407, OMIM 181400.

Allele frequency attached by ClinVar (database versions not stated): ExAC 0.00002; gnomAD exomes 0.00002 and 0.00001; gnomAD 0.00002.
gnomAD v4.1: 14 of 1,613,800 alleles (0.00087%); highest among the groups gnomAD compares: African/African-American, 0.0013%; no homozygotes.

Submissions (7):

GeneDx
Classification: Pathogenic. Last evaluated: 2026-10-13. Review status: criteria provided, single submitter. Criteria: GeneDx Variant Classification Process June 2021. Collection method: clinical testing. Allele origin: germline.
Comment: Canonical splice site variant predicted to result in a null allele in a gene for which loss of function is a known mechanism of disease; Identified in patients with early onset atrial fibrillation, ARVC, and DCM in published literature (PMID: 34495297, 36264615); Not observed at significant frequency in large population cohorts (gnomAD); This variant is associated with the following publications: (PMID: 34495297, 36264615, 39096151, 38358893)

Labcorp Genetics (formerly Invitae), Labcorp
Classification: Likely pathogenic for Desmin-related myofibrillar myopathy. Last evaluated: 2026-01-27. Review status: criteria provided, single submitter. Criteria: Invitae Variant Classification Sherloc (09022015). Collection method: clinical testing. Allele origin: germline.
Comment: This sequence change affects a donor splice site in intron 7 of the DES gene. It is expected to disrupt RNA splicing. Variants that disrupt the donor or acceptor splice site typically lead to a loss of protein function (PMID: 16199547), and loss-of-function variants in DES are known to be pathogenic (PMID: 23575897). This variant is present in population databases (rs112224037, gnomAD 0.004%). Disruption of this splice site has been observed in individual(s) with autosomal recessive desminopathy and/or cardiomyopathy or atrial fibrillation (PMID: 34495297, 36264615, 38358893). ClinVar contains an entry for this variant (Variation ID: 639517). Algorithms developed to predict the effect of sequence changes on RNA splicing suggest that this variant may disrupt the consensus splice site. In summary, the currently available evidence indicates that the variant is pathogenic, but additional data are needed to prove that conclusively. Therefore, this variant has been classified as Likely Pathogenic.

Ambry Genetics
Classification: Uncertain significance for Cardiovascular phenotype. Last evaluated: 2025-08-14. Review status: criteria provided, single submitter. Criteria: Ambry Variant Classification Scheme 2023. Collection method: clinical testing. Allele origin: germline.
Comment: The c.1288+1G>A intronic variant results from a G to A substitution one nucleotide after coding exon 7 of the DES gene. This variant has been identified in the homozygous state and/or in conjunction with other DES variant(s) in individual(s) with features consistent with autosomal recessive DES-related myofibrillar myopathy; in at least one instance, the variants were identified in trans (Geist Hauserman J et al. HGG Adv. 2024 Apr;5(2):100274). This nucleotide position is highly conserved in available vertebrate species. In silico splice site analysis predicts that this alteration will weaken the native splice donor site. Alterations that disrupt the canonical splice site are expected to cause aberrant splicing, resulting in an abnormal protein or a transcript that is subject to nonsense-mediated mRNA decay. Although biallelic loss of function of DES has been associated with autosomal recessive DES-related myofibrillar myopathy, haploinsufficiency of DES has not been established as a mechanism of disease for autosomal dominant DES-related myopathy. Based on the supporting evidence, this variant is expected to be causative of autosomal recessive DES-related myofibrillar myopathy when present along with a second pathogenic variant on the other allele; however, its clinical significance for autosomal dominant DES-related myopathy is unclear.

PreventionGenetics, part of Exact Sciences
Classification: Pathogenic for DES-related condition. Last evaluated: 2025-01-15. Review status: criteria provided, single submitter. Criteria: ACMG Guidelines, 2015. Collection method: clinical testing. Allele origin: germline.
Comment: The DES c.1288+1G>A variant is predicted to disrupt the GT donor site and interfere with normal splicing. This variant has been reported in the compound heterozygous state in an individual with autosomal recessive desminopathies and progressive dilated cardiomyopathy. Both parents were reported asymptomatic (Geist Hauserman et al. 2024. PubMed ID: 38358893). This variant has also been reported in the heterozygous state in a cohort of individuals with atrial fibrillation (eTable 2, Yoneda et al. 2021. PubMed ID: 34495297). This variant has also been associated with arrhythmogenic right ventricular cardiomyopathy and/or dilated cardiomyopathy in multiple individuals based on self-reporting or matching ICD-10 codes in UK Biobank, a population-based cohort with whole exome sequencing data available (Supplementary Table IV, Bourfiss et al. 2022. PubMed ID: 36264615). This variant is reported in 0.0040% of alleles in individuals of African descent in gnomAD. Variants that disrupt the consensus splice donor site in DES are expected to be pathogenic. This variant is interpreted as pathogenic for autosomal recessive DES-related disorders; however, it remains uncertain whether this variant, in the heterozygous state, is sufficient to cause autosomal dominant DES-related disorders.

Victorian Clinical Genetics Services, Murdoch Childrens Research Institute
Classification: Likely pathogenic for Dilated cardiomyopathy 1I. Last evaluated: 2024-10-09. Review status: criteria provided, single submitter. Criteria: ACMG Guidelines, 2015. Collection method: clinical testing. Allele origin: germline. Inheritance: Autosomal dominant inheritance.
Comment: Based on the classification scheme VCGS_Germline_v1.3.4, this variant is classified as Likely pathogenic. Following criteria are met: 0103 - Dominant negative and loss of function are known mechanisms of disease in this gene and are associated with dilated cardiomyopathy 1I (MIM#604765), myofibrillar myopathy 1 (MIM#601419) and Kaeser type neurogenic scapuloperoneal syndrome (MIM#181400) (PMIDs: 29926427, 33373648). (I) 0108 - This gene is associated with both recessive and dominant disease. The majority of disease-associated DES variants exhibit autosomal dominant inheritance, with rare cases of biallelic truncating and missense variants reported for myopathy (PMID: 29926427). (I) 0211 - Canonical splice site variant without proven consequence on splicing (no functional evidence available). (SP) 0251 - This variant is heterozygous. (I) 0302 - Variant is present in gnomAD (v2) <0.001 for a dominant condition (6 heterozygotes, 0 homozygotes). (SP) 0311 - An alternative nucleotide change at the same canonical splice site is present in gnomAD (v3) at a frequency of 0.000001 (1 heterozygotes, 0 homozygotes). (SB) 0505 - Abnormal splicing is predicted by in silico tools and affected nucleotide is highly conserved. (SP) 0705 - No comparable splice variants have previous evidence for pathogenicity. (I) 0802 - This variant has moderate previous evidence of pathogenicity in unrelated individuals. This variant has been reported three times in ClinVar as likely pathogenic and once as a VUS. This variant has also been identified heterozygous in an individual with early-onset atrial fibrillation (PMID: 34495297) and compound heterozygous in an individual with global muscular weakness and dilated cardiomyopathy (PMID: 38358893). It was also identified in individuals who self-reported to have ARVC or DCM (PMID: 36264615). (SP) 0905 - No published segregation evidence has been identified for this variant. (I) 1007 - No published functional evidence has been identified for this variant. (I) Legend: (SP) - Supporting pathogenic, (I) - Information, (SB) - Supporting benign

Blueprint Genetics
Classification: Likely pathogenic for DES-related disorders. Last evaluated: 2023-01-24. Review status: criteria provided, single submitter. Criteria: ACMG Guidelines, 2015. Collection method: clinical testing. Allele origin: germline. Affected: yes. Observed: 2 variant alleles.

Fulgent Genetics
Classification: Likely pathogenic for Neurogenic scapuloperoneal syndrome, Kaeser type; Desmin-related myofibrillar myopathy; Dilated cardiomyopathy 1I. Last evaluated: 2021-10-22. Review status: criteria provided, single submitter. Criteria: ACMG Guidelines, 2015. Collection method: clinical testing. Allele origin: unknown.

Literature cited by the submitters: PubMed 16199547 (cited by Labcorp Genetics (formerly Invitae), Labcorp); PubMed 23575897 (cited by Labcorp Genetics (formerly Invitae), Labcorp); PubMed 34495297 (cited by 3 submitters); PubMed 36264615 (cited by 3 submitters); PubMed 38358893 (cited by 3 submitters); PubMed 29926427 (cited by Victorian Clinical Genetics Services, Murdoch Childrens Research Institute); PubMed 33373648 (cited by Victorian Clinical Genetics Services, Murdoch Childrens Research Institute).